The following is an entry in ClinVar:

NM_001005498.4(RHBDF2):c.155A>G (p.Lys52Arg)

Gene: RHBDF2 (rhomboid 5 homolog 2; minus strand). Cytogenetic location: 17q25.1.
Variant type: single nucleotide variant.
Coding change: c.155A>G on transcript NM_001005498.4 (MANE Select); coding-DNA position 155, A replaced by G.
Protein change: p.Lys52Arg; replaces lysine 52 with arginine.
Molecular consequence: missense variant. On other transcripts: non-coding transcript variant (3).
Genome position (GRCh38, 1-based): chr17:76,479,850, T>C on the plus strand (A>G on the coding strand, the complement: RHBDF2 is on the minus strand). VCF-style: chr17-76479850-T-C. GRCh37 (hg19) VCF-style: chr17-74475932-T-C.
Other names: c.155A>G, p.Lys52Arg (NM_001376228.1, NM_001376229.1, NM_001376230.1); c.242A>G, p.Lys81Arg (NM_024599.5); short protein forms K52R, K81R.
Identifiers: ClinVar variation 1409181 (VCV001409181.10), dbSNP rs765724768, ClinGen allele CA8787460.

ClinVar aggregate classification (germline): Conflicting classifications of pathogenicity. Review status: criteria provided, conflicting classifications (1 of 4 stars). 3 submissions from 3 submitters: Uncertain significance (2); Likely benign (1). Last evaluated 2024-01-04.

Conditions:
Inborn genetic diseases. Identifiers: MedGen C0950123, MeSH D030342.
Palmoplantar keratoderma-esophageal carcinoma syndrome (TOC). Also called: KERATOSIS PALMARIS ET PLANTARIS WITH ESOPHAGEAL CANCER; PALMOPLANTAR KERATODERMA WITH ESOPHAGEAL CANCER; Tylosis with Esophageal Cancer. Identifiers: Orphanet 2198, MedGen C1835664, MONDO:0007856, OMIM 148500.

Allele frequency attached by ClinVar (database versions not stated): ExAC 0.00001; gnomAD 0.00001; gnomAD exomes 0.00001; TOPMed 0.00001.
gnomAD v4.1: 18 of 1,612,474 alleles (0.0011%); highest among the groups gnomAD compares: Non-Finnish European, 0.0014%; no homozygotes.

Submissions (3):

Ambry Genetics
Classification: Likely benign for Inborn genetic diseases. Last evaluated: 2024-01-04. Review status: criteria provided, single submitter. Criteria: Ambry Variant Classification Scheme 2023. Collection method: clinical testing. Allele origin: germline.

Baylor Genetics
Classification: Uncertain significance for Palmoplantar keratoderma-esophageal carcinoma syndrome. Last evaluated: 2023-06-08. Review status: criteria provided, single submitter. Criteria: ACMG Guidelines, 2015. Collection method: clinical testing. Allele origin: unknown.

Labcorp Genetics (formerly Invitae), Labcorp
Classification: Uncertain significance. Last evaluated: 2021-06-15. Review status: criteria provided, single submitter. Criteria: Invitae Variant Classification Sherloc (09022015). Collection method: clinical testing. Allele origin: germline.
Comment: This variant has not been reported in the literature in individuals with RHBDF2-related conditions. This sequence change replaces lysine with arginine at codon 81 of the RHBDF2 protein (p.Lys81Arg). The lysine residue is weakly conserved and there is a small physicochemical difference between lysine and arginine. This variant is present in population databases (rs765724768, ExAC 0.002%). Algorithms developed to predict the effect of missense changes on protein structure and function output the following: SIFT: "Tolerated"; PolyPhen-2: "Benign"; Align-GVGD: "Class C0". The arginine amino acid residue is found in multiple mammalian species, suggesting that this missense change does not adversely affect protein function. These predictions have not been confirmed by published functional studies and their clinical significance is uncertain. In summary, the available evidence is currently insufficient to determine the role of this variant in disease. Therefore, it has been classified as a Variant of Uncertain Significance.